The following is an entry in ClinVar:

ClinVar aggregate classification (germline): Conflicting classifications of pathogenicity. Review status: criteria provided, conflicting classifications (1 of 4 stars). 9 submissions from 9 submitters: Pathogenic (1); Likely pathogenic (1); Uncertain significance (7). Last evaluated 2026-11-11.

Conditions:
Cardiomyopathy (CMYO). Also called: Cardiomyopathies. Identifiers: Orphanet 167848, MedGen C0878544, MONDO:0004994, HP:0001638. Inheritance: Various modes of inheritance.
Primary dilated cardiomyopathy (DCM). Also called: Dilated Cardiomyopathy. Identifiers: Orphanet 217604, MedGen C0007193, MeSH D002311, MONDO:0005021, HP:0001644. Inheritance: Various modes of inheritance.
Hypertrophic cardiomyopathy. Also called: HYPERTROPHIC MYOCARDIOPATHY. Identifiers: Orphanet 217569, MedGen C0007194, MeSH D002312, MONDO:0005045, HP:0001639.
Cardiovascular phenotype. Identifiers: MedGen CN230736.
TNNI3-related disorder. Also called: TNNI3-related disorders; TNNI3-related condition.
Cardiomyopathy, familial restrictive, 1. Identifiers: Orphanet 75249, MedGen C1861861, MONDO:0007270, OMIM 115210.
Dilated cardiomyopathy 2A (CMD2A). Also called: CARDIOMYOPATHY, CONGESTIVE, AUTOSOMAL RECESSIVE; CARDIOMYOPATHY, DILATED, AUTOSOMAL RECESSIVE. Identifiers: Orphanet 154, MedGen C2678474, MONDO:0012746, OMIM 611880.
Hypertrophic cardiomyopathy 7. Also called: TNNI3-Related Familial Hypertrophic Cardiomyopathy; Familial hypertrophic cardiomyopathy 7; CARDIOMYOPATHY, FAMILIAL HYPERTROPHIC, 7, MODIFIER OF. Identifiers: MedGen C1860752, MONDO:0013369, OMIM 613690.
Dilated cardiomyopathy 1FF (CMD1FF). Identifiers: Orphanet 154, MedGen C2750091, MONDO:0013211, OMIM 613286.

Submissions (9):

Clinical Genetics Laboratory, Skane University Hospital Lund
Classification: Uncertain significance for Primary dilated cardiomyopathy. Last evaluated: 2026-11-11. Review status: criteria provided, single submitter. Criteria: ACMG Guidelines, 2015. Collection method: clinical testing. Allele origin: germline. Affected: yes. Observed: 1 variant allele.
Comment: ACMG criteria applied: PS4.

PreventionGenetics, part of Exact Sciences
Classification: Likely pathogenic for TNNI3-related condition. Last evaluated: 2026-09-24. Review status: criteria provided, single submitter. Criteria: ACMG Guidelines, 2015. Collection method: clinical testing. Allele origin: germline.
Comment: The TNNI3 c.114dupA variant is predicted to result in a frameshift and premature protein termination (p.Ser39Ilefs*2). This variant has been reported in an individual with hypertrophic cardiomyopathy (HCM) and a child with dilated cardiomyopathy (DCM) (Table S2, Tadros et al. 2021. PubMed ID: 33495596; Table S6, Dai et al. 2019. PubMed ID: 30993396). It has been identified in 10 individuals in the UK Biobank with clinical findings consistent of HCM or DCM (Table S4, Bourfiss et al. 2022. PubMed ID: 36264615), but also been observed in 4 ostensibly healthy individuals (Kapplinger et al. 2014. PubMed ID: 24510615). This variant is reported in 0.010% of alleles in individuals of African descent in gnomAD and has conflicting classifications listed in ClinVar ranging from uncertain to pathogenic (Variation ID: 419596). Frameshift variants in TNNI3 are expected to be pathogenic for autosomal recessive TNNI3-related disorders. This variant is interpreted as likely pathogenic.

Ambry Genetics
Classification: Uncertain significance for Cardiovascular phenotype. Last evaluated: 2026-08-12. Review status: criteria provided, single submitter. Criteria: Ambry Variant Classification Scheme 2023. Collection method: clinical testing. Allele origin: germline.
Comment: The c.114dupA variant, located in coding exon 4 of the TNNI3 gene, results from a duplication of A at nucleotide position 114, causing a translational frameshift with a predicted alternate stop codon (p.S39Ifs*2). This alteration is expected to result in loss of function by premature protein truncation or nonsense-mediated mRNA decay. Although biallelic loss of function of TNNI3 has been associated with autosomal recessive dilated cardiomyopathy, haploinsufficiency of TNNI3 has not been established as a mechanism of disease for autosomal dominant cardiomyopathy. Based on the supporting evidence, this variant is expected to be causative of autosomal recessive dilated cardiomyopathy when present along with a second pathogenic variant on the other allele; however, its clinical significance for autosomal dominant cardiomyopathy is unclear.

Labcorp Genetics (formerly Invitae), Labcorp
Classification: Pathogenic for Hypertrophic cardiomyopathy. Last evaluated: 2025-11-16. Review status: criteria provided, single submitter. Criteria: Invitae Variant Classification Sherloc (09022015). Collection method: clinical testing. Allele origin: germline.
Comment: This sequence change creates a premature translational stop signal (p.Ser39Ilefs*2) in the TNNI3 gene. It is expected to result in an absent or disrupted protein product. Loss-of-function variants in TNNI3 are known to be pathogenic (PMID: 31568572, 34036930, 35838873). This variant is present in population databases (rs772607683, gnomAD 0.01%). This variant has not been reported in the literature in individuals affected with TNNI3-related conditions. ClinVar contains an entry for this variant (Variation ID: 419596). For these reasons, this variant has been classified as Pathogenic.

GeneDx
Classification: Uncertain significance. Last evaluated: 2025-11-07. Review status: criteria provided, single submitter. Criteria: GeneDx Variant Classification Process June 2021. Collection method: clinical testing. Allele origin: germline. Affected: yes.
Comment: Frameshift variant predicted to result in protein truncation or nonsense mediated decay in a gene for which loss-of-function is not a well-established mechanism of disease; Not observed at significant frequency in large population cohorts (gnomAD); This variant is associated with the following publications: (PMID: 24510615, 31589614, 36264615, 30993396, 33495596)

Revvity Omics, Revvity
Classification: Uncertain significance. Last evaluated: 2025-07-15. Review status: criteria provided, single submitter. Criteria: ACMG Guidelines, 2015. Collection method: clinical testing. Allele origin: germline.

Color Diagnostics, LLC DBA Color Health
Classification: Uncertain significance for Cardiomyopathy. Last evaluated: 2025-06-24. Review status: criteria provided, single submitter. Criteria: ACMG Guidelines, 2015. Collection method: clinical testing. Allele origin: germline.
Comment: This variant inserts 1 nucleotide in exon 4 of the TNNI3 gene, creating a frameshift and premature translation stop signal. This variant is expected to result in an absent or non-functional protein product. This variant has been reported in an individual affected with hypertrophic cardiomyopathy (PMID: 33495596), in an individual affected with dilated cardiomyopathy (PMID: 30993396), and in an individual affected with pediatric primary cardiomyopathy (PMID: 35838873). This variant has also been reported in four ostensibly healthy individuals (PMID: 24510615). This variant has been identified in 2/176158 chromosomes in the general population by the Genome Aggregation Database (gnomAD). Clinical relevance of loss-of-function truncation and splice variants in the TNNI3 gene is not clearly established. The available evidence is insufficient to determine the role of this variant in disease conclusively. Therefore, this variant is classified as a Variant of Uncertain Significance.

Fulgent Genetics
Classification: Uncertain significance for Cardiomyopathy, familial restrictive, 1; Dilated cardiomyopathy 2A; Dilated cardiomyopathy 1FF; Hypertrophic cardiomyopathy 7. Last evaluated: 2021-10-20. Review status: criteria provided, single submitter. Criteria: ACMG Guidelines, 2015. Collection method: clinical testing. Allele origin: unknown.

Blueprint Genetics
Classification: Uncertain significance. Last evaluated: 2021-07-05. Review status: criteria provided, single submitter. Criteria: ACMG Guidelines, 2015. Collection method: clinical testing. Allele origin: germline.

Literature cited by the submitters: PubMed 36264615 (cited by Clinical Genetics Laboratory, Skane University Hospital Lund); PubMed 31568572 (cited by Labcorp Genetics (formerly Invitae), Labcorp); PubMed 34036930 (cited by Labcorp Genetics (formerly Invitae), Labcorp); PubMed 35838873 (cited by Labcorp Genetics (formerly Invitae), Labcorp and Color Diagnostics, LLC DBA Color Health); PubMed 24510615 (cited by Color Diagnostics, LLC DBA Color Health); PubMed 30993396 (cited by Color Diagnostics, LLC DBA Color Health); PubMed 33495596 (cited by Color Diagnostics, LLC DBA Color Health).

NM_000363.5(TNNI3):c.114dup (p.Ser39fs)

Gene: TNNI3 (troponin I3, cardiac type; minus strand). Cytogenetic location: 19q13.42.
Variant type: Duplication.
Coding change: c.114dup on transcript NM_000363.5 (MANE Select); coding-DNA position 114, one base duplicated (A; older notation c.114dupA).
Protein change: p.Ser39fs; shifts the reading frame from serine 39.
Molecular consequence: frameshift variant.
Genome position (GRCh38, 1-based): chr19:55,156,639, T duplicated on the plus strand (A on the coding strand, the reverse complement: TNNI3 is on the minus strand); the first of 6 consecutive T bases (chr19:55,156,639-55,156,644); duplicating any one gives the same sequence. VCF-style (leftmost placement, unchanged base first): chr19-55156638-A-AT. GRCh37 (hg19) VCF-style: chr19-55668006-A-AT.
Other names: c.114dup (LRG_432t1, NM_000363.4); short protein forms S39fs.
Identifiers: ClinVar variation 419596 (VCV000419596.21), dbSNP rs772607683, ClinGen allele CA9667720.
Genomic context (GRCh38, chr19:55,156,638, plus strand): 5'-CTTTCCCAGTCCCGCCCGTCCTCACCTTCAGCTGCAATTTTCTCGAGGCGGAGATCTTAG[A>AT]TTTTTTCTGCCAGGGTGAGATGGAGCAAGGAAGGATCATGGAGGGGGATTCGGAGACGAC-3'